The following is an entry in ClinVar:

NM_001134363.3(RBM20):c.712C>T (p.Gln238Ter)

Gene: RBM20 (RNA binding motif protein 20; plus strand). Cytogenetic location: 10q25.2.
Variant type: single nucleotide variant.
Coding change: c.712C>T on transcript NM_001134363.3 (MANE Select); coding-DNA position 712, C replaced by T.
Protein change: p.Gln238Ter; replaces glutamine 238 with a stop codon.
Molecular consequence: nonsense.
Genome position (GRCh38, 1-based): chr10:110,781,321, C>T. VCF-style: chr10-110781321-C-T. GRCh37 (hg19) VCF-style: chr10-112541079-C-T.
Other names: short protein forms Q238*.
Identifiers: ClinVar variation 4781650 (VCV004781650.1).
Genomic context (GRCh38, chr10:110,781,321, plus strand): 5'-AAGACTGGGCCTGCTCCAGCTACAGCAGGATTCTATGAGTATGGCAAAGCCAGCTCTGGC[C>T]AGACATATGGCCCTGAAACAGATGGTCAGCCTGGCTTCCTGCCATCCTCGGCCTCAACCT-3'

ClinVar aggregate classification (germline): Pathogenic (1 of 4 stars; one submission).

Conditions:
Dilated cardiomyopathy 1DD (CMD1DD). Identifiers: Orphanet 154, MedGen C2750995, MONDO:0013168, OMIM 613172.

Submission:

Labcorp Genetics (formerly Invitae), Labcorp
Classification: Pathogenic for Dilated cardiomyopathy 1DD. Last evaluated: 2025-11-21. Review status: criteria provided, single submitter. Criteria: Invitae Variant Classification Sherloc (09022015). Collection method: clinical testing. Allele origin: germline.
Comment: This sequence change creates a premature translational stop signal (p.Gln238*) in the RBM20 gene. It is expected to result in an absent or disrupted protein product. Loss-of-function variants in RBM20 are known to be pathogenic (PMID: 20590677, 22004663, 38288598, 38510713, 40339755). This variant is not present in population databases (gnomAD no frequency). This variant has not been reported in the literature in individuals affected with RBM20-related conditions. For these reasons, this variant has been classified as Pathogenic.

Literature cited by the submitters: PubMed 20590677; PubMed 22004663; PubMed 38288598; PubMed 38510713; PubMed 40339755.